The following is an entry in ClinVar:

ClinVar aggregate classification (germline): Conflicting classifications of pathogenicity. Review status: criteria provided, conflicting classifications (1 of 4 stars). 8 submissions from 8 submitters: Uncertain significance (7); Likely benign (1). Last evaluated 2026-02-19.

Conditions:
COL3A1-related disorder. Also called: COL3A1-related condition.
Familial thoracic aortic aneurysm and aortic dissection (TAAD). Also called: Thoracic aortic aneurysms and dissections. Identifiers: Orphanet 91387, MedGen C4707243, MONDO:0019625.
Ehlers-Danlos syndrome, type 4 (EDSVASC). Also called: Ehlers-Danlos syndrome vascular type; Ehlers Danlos syndrome, ecchymotic type; Ehlers Danlos syndrome, arterial type; Ehlers Danlos syndrome, Sack-Barabas type; Ehlers-Danlos Syndrome Type IV. Identifiers: Orphanet 286, MedGen C0268338, MONDO:0017314, OMIM 130050.

Allele frequency attached by ClinVar (database versions not stated): TOPMed 0.00001.
gnomAD v4.1: 4 of 1,614,086 alleles (0.00025%); highest among the groups gnomAD compares: African/African-American, 0.0013%; no homozygotes.

Submissions (8):

Women's Health and Genetics/Laboratory Corporation of America, LabCorp
Classification: Uncertain significance. Last evaluated: 2026-02-19. Review status: criteria provided, single submitter. Criteria: LabCorp Variant Classification Summary - May 2015. Collection method: clinical testing. Allele origin: germline.
Comment: Variant summary: COL3A1 c.3937A>G (p.Lys1313Glu) results in a conservative amino acid change located in the Fibrillar collagens C-terminal domain (IPR000885) of the encoded protein sequence. Algorithms developed to predict the effect of missense changes on protein structure and function are either unavailable or do not agree on the potential impact of this missense change. The variant allele was found at a frequency of 8e-06 in 251424 control chromosomes. The available data on variant occurrences in the general population are insufficient to allow any conclusion about variant significance. To our knowledge, no occurrence of c.3937A>G in individuals affected with COL3A1-related conditions and no experimental evidence demonstrating its impact on protein function have been reported. ClinVar contains an entry for this variant (Variation ID: 519617). Based on the evidence outlined above, the variant was classified as uncertain significance.

GeneDx
Classification: Uncertain significance. Last evaluated: 2024-12-06. Review status: criteria provided, single submitter. Criteria: GeneDx Variant Classification Process June 2021. Collection method: clinical testing. Allele origin: germline. Affected: yes.
Comment: Not observed at significant frequency in large population cohorts (gnomAD); In silico analysis supports that this missense variant has a deleterious effect on protein structure/function; Has not been previously published as pathogenic or benign to our knowledge; Not located in the triple helical region, where the majority of pathogenic missense variants occur (HGMD)

Color Diagnostics, LLC DBA Color Health
Classification: Uncertain significance for Familial thoracic aortic aneurysm and aortic dissection. Last evaluated: 2024-03-06. Review status: criteria provided, single submitter. Criteria: ACMG Guidelines, 2015. Collection method: clinical testing. Allele origin: germline.
Comment: This missense variant replaces lysine with glutamic acid at codon 1313 of the COL3A1 protein. Computational prediction suggests that this variant may have deleterious impact on protein structure and function (internally defined REVEL score threshold >= 0.7, PMID: 27666373). To our knowledge, functional studies have not been reported for this variant. This variant has not been reported in individuals affected with COL3A1-related disorders in the literature. This variant has been identified in 2/251424 chromosomes in the general population by the Genome Aggregation Database (gnomAD). The available evidence is insufficient to determine the role of this variant in disease conclusively. Therefore, this variant is classified as a Variant of Uncertain Significance.

All of Us Research Program, National Institutes of Health
Classification: Uncertain significance for Ehlers-Danlos syndrome, type 4. Last evaluated: 2023-09-05. Review status: criteria provided, single submitter. Criteria: ACMG Guidelines, 2015. Collection method: clinical testing. Allele origin: germline. Inheritance: Autosomal dominant inheritance. Observed: 3 variant alleles, 3 heterozygotes.
Comment: This missense variant replaces lysine with glutamic acid at codon 1313 of the COL3A1 protein. Computational prediction suggests that this variant may have deleterious impact on protein structure and function (internally defined REVEL score threshold >= 0.7, PMID: 27666373). To our knowledge, functional studies have not been reported for this variant. This variant has not been reported in individuals affected with cardiovascular disorders in the literature. This variant has been identified in 2/251424 chromosomes in the general population by the Genome Aggregation Database (gnomAD). The available evidence is insufficient to determine the role of this variant in disease conclusively. Therefore, this variant is classified as a Variant of Uncertain Significance.

This study involves interpretation of variants in research participants for the purpose of population health screening. Participant phenotype was not available at the time of variant classification. Additional details can be found in publication PMID: 35346344, PMCID: PMC8962531

Labcorp Genetics (formerly Invitae), Labcorp
Classification: Uncertain significance for Ehlers-Danlos syndrome, type 4. Last evaluated: 2023-07-17. Review status: criteria provided, single submitter. Criteria: Invitae Variant Classification Sherloc (09022015). Collection method: clinical testing. Allele origin: germline.
Comment: This missense change has been observed in individual(s) with clinical features of Ehlers-Danlos syndrome (Invitae). This sequence change replaces lysine, which is basic and polar, with glutamic acid, which is acidic and polar, at codon 1313 of the COL3A1 protein (p.Lys1313Glu). This variant is present in population databases (no rsID available, gnomAD 0.002%). ClinVar contains an entry for this variant (Variation ID: 519617). Advanced modeling of protein sequence and biophysical properties (such as structural, functional, and spatial information, amino acid conservation, physicochemical variation, residue mobility, and thermodynamic stability) performed at Invitae indicates that this missense variant is not expected to disrupt COL3A1 protein function. In summary, the available evidence is currently insufficient to determine the role of this variant in disease. Therefore, it has been classified as a Variant of Uncertain Significance.

PreventionGenetics, part of Exact Sciences
Classification: Uncertain significance for COL3A1-related condition. Last evaluated: 2023-05-03. Review status: criteria provided, single submitter. Criteria: ACMG Guidelines, 2015. Collection method: clinical testing. Allele origin: germline.
Comment: The COL3A1 c.3937A>G variant is predicted to result in the amino acid substitution p.Lys1313Glu. To our knowledge, this variant has not been reported in the literature. This variant is reported in 0.0018% of alleles in individuals of European (Non-Finnish) descent in gnomAD. At this time, the clinical significance of this variant is uncertain due to the absence of conclusive functional and genetic evidence.

AiLife Diagnostics
Classification: Uncertain significance. Last evaluated: 2021-09-17. Review status: criteria provided, single submitter. Criteria: ACMG Guidelines, 2015. Collection method: clinical testing. Allele origin: germline. Affected: yes. Observed: 1 variant allele.

Ambry Genetics
Classification: Likely benign for Familial thoracic aortic aneurysm and aortic dissection. Last evaluated: 2017-11-16. Review status: criteria provided, single submitter. Criteria: Ambry Variant Classification Scheme 2023. Collection method: clinical testing. Allele origin: germline.

NM_000090.4(COL3A1):c.3937A>G (p.Lys1313Glu)

Gene: COL3A1 (collagen type III alpha 1 chain; plus strand). Cytogenetic location: 2q32.2.
Variant type: single nucleotide variant.
Coding change: c.3937A>G on transcript NM_000090.4 (MANE Select); coding-DNA position 3937, A replaced by G.
Protein change: p.Lys1313Glu; replaces lysine 1313 with glutamic acid.
Molecular consequence: missense variant.
Genome position (GRCh38, 1-based): chr2:189,010,291, A>G. VCF-style: chr2-189010291-A-G. GRCh37 (hg19) VCF-style: chr2-189875017-A-G.
Other names: short protein forms K1313E.
Identifiers: ClinVar variation 519617 (VCV000519617.22), dbSNP rs886038983, ClinGen allele CA349848675.
Genomic context (GRCh38, chr2:189,010,291, plus strand): 5'-TTCTGTAATATGGAAACTGGGGAAACATGCATAAGTGCCAATCCTTTGAATGTTCCACGG[A>G]AACACTGGTGGACAGATTCTAGTGCTGAGAAGAAACACGTTTGGTTTGGAGAGTCCATGG-3'
Protein context (NP_000081.2, residues 1303-1323): ISANPLNVPR[Lys1313Glu]HWWTDSSAEK